The following is an entry in ClinVar:

NM_014956.5(CEP164):c.1615G>A (p.Gly539Ser)

Gene: CEP164 (centrosomal protein 164; plus strand). Cytogenetic location: 11q23.3.
Variant type: single nucleotide variant.
Coding change: c.1615G>A on transcript NM_014956.5 (MANE Select); coding-DNA position 1615, G replaced by A.
Protein change: p.Gly539Ser; replaces glycine 539 with serine.
Molecular consequence: missense variant.
Genome position (GRCh38, 1-based): chr11:117,382,833, G>A. VCF-style: chr11-117382833-G-A. GRCh37 (hg19) VCF-style: chr11-117253549-G-A.
Other names: c.1624G>A, p.Gly542Ser (NM_001271933.2); short protein forms G542S, G539S.
Identifiers: ClinVar variation 1465295 (VCV001465295.6), dbSNP rs758286092, ClinGen allele CA6294805.

ClinVar aggregate classification (germline): Uncertain significance (1 of 4 stars; one submission).

Conditions:
Nephronophthisis 15 (NPHP15). Identifiers: Orphanet 3156, MedGen C3541853, MONDO:0013917, OMIM 614845.

Allele frequency attached by ClinVar (database versions not stated): gnomAD 0.00001; ExAC 0.00002; 1000 Genomes Project 30x 0.00031.
gnomAD v4.1: 9 of 1,614,144 alleles (0.00056%); highest among the groups gnomAD compares: South Asian, 0.0022%; no homozygotes.

Submission:

Labcorp Genetics (formerly Invitae), Labcorp
Classification: Uncertain significance for Nephronophthisis 15. Last evaluated: 2023-10-13. Review status: criteria provided, single submitter. Criteria: Invitae Variant Classification Sherloc (09022015). Collection method: clinical testing. Allele origin: germline.
Comment: This sequence change replaces glycine, which is neutral and non-polar, with serine, which is neutral and polar, at codon 539 of the CEP164 protein (p.Gly539Ser). This variant is present in population databases (rs758286092, gnomAD 0.004%). This variant has not been reported in the literature in individuals affected with CEP164-related conditions. ClinVar contains an entry for this variant (Variation ID: 1465295). An algorithm developed to predict the effect of missense changes on protein structure and function (PolyPhen-2) suggests that this variant is likely to be tolerated. In summary, the available evidence is currently insufficient to determine the role of this variant in disease. Therefore, it has been classified as a Variant of Uncertain Significance.